The following is an entry in ClinVar:

ClinVar aggregate classification (germline): Pathogenic. Review status: criteria provided, multiple submitters, no conflicts (2 of 4 stars). 9 submissions from 9 submitters: Pathogenic (9). Last evaluated 2025-12-09.

Conditions:
Hereditary cancer-predisposing syndrome. Also called: Neoplastic Syndromes, Hereditary; Tumor predisposition; Hereditary neoplastic syndrome; Hereditary Cancer Syndrome. Identifiers: Orphanet 140162, MedGen C0027672, MeSH D009386, MONDO:0015356.
Familial adenomatous polyposis 2. Also called: COLORECTAL ADENOMATOUS POLYPOSIS, AUTOSOMAL RECESSIVE; ADENOMAS, MULTIPLE COLORECTAL, AUTOSOMAL RECESSIVE; MUTYH-associated polyposis; FAP type 2; MUTYH-related attenuated familial adenomatous polyposis; Adenomas, multiple colorectal. Identifiers: Orphanet 220460, Orphanet 247798, MedGen C3272841, MONDO:0012041, OMIM 608456.

Allele frequency attached by ClinVar (database versions not stated): gnomAD exomes below 0.00001.

Submissions (9):

Labcorp Genetics (formerly Invitae), Labcorp
Classification: Pathogenic for Familial adenomatous polyposis 2. Last evaluated: 2025-12-09. Review status: criteria provided, single submitter. Criteria: Invitae Variant Classification Sherloc (09022015). Collection method: clinical testing. Allele origin: germline.
Comment: This sequence change creates a premature translational stop signal (p.Tyr453Ilefs*14) in the MUTYH gene. It is expected to result in an absent or disrupted protein product. Loss-of-function variants in MUTYH are known to be pathogenic (PMID: 18534194, 20663686). This variant is not present in population databases (gnomAD no frequency). This premature translational stop signal has been observed in individual(s) with colorectal adenoma (PMID: 17219385). This variant is also known as c.1314delA (p.Val452X). ClinVar contains an entry for this variant (Variation ID: 464690). For these reasons, this variant has been classified as Pathogenic.

GeneDx
Classification: Pathogenic. Last evaluated: 2024-09-12. Review status: criteria provided, single submitter. Criteria: GeneDx Variant Classification Process June 2021. Collection method: clinical testing. Allele origin: germline. Affected: yes.
Comment: Observed with a pathogenic MUTYH variant (phase unknown) in an individual with a personal history consistent with pathogenic variants in this gene (PMID: 17219385); Frameshift variant predicted to result in protein truncation or nonsense mediated decay in a gene for which loss of function is a known mechanism of disease; Not observed at significant frequency in large population cohorts (gnomAD); This variant is associated with the following publications: (PMID: 29506128, 28873162, 27443514, 36495689, 17219385)

Ambry Genetics
Classification: Pathogenic for Hereditary cancer-predisposing syndrome. Last evaluated: 2024-08-01. Review status: criteria provided, single submitter. Criteria: Ambry Variant Classification Scheme 2023. Collection method: clinical testing. Allele origin: germline.
Comment: The c.1356delA pathogenic mutation, located in coding exon 14 of the MUTYH gene, results from a deletion of one nucleotide at nucleotide position 1356, causing a translational frameshift with a predicted alternate stop codon (p.Y453Ifs*14). This truncating mutation was detected in conjunction with a second pathogenic MUTYH mutation in an individual with MUTYH-associated polyposis (MAP) (Croitoru ME et al J. Surg. Oncol. 2007 May; 95(6):499-506). This mutation has also been detected in a patient with advanced cancer (Mandelker D et al. JAMA. 2017 Sep 5;318(9):825-835). In addition to the clinical data presented in the literature, this alteration is expected to result in loss of function by premature protein truncation or nonsense-mediated mRNA decay. As such, this alteration is interpreted as a disease-causing mutation.

All of Us Research Program, National Institutes of Health
Classification: Pathogenic for Familial adenomatous polyposis 2. Last evaluated: 2024-06-09. Review status: criteria provided, single submitter. Criteria: ACMG Guidelines, 2015. Collection method: clinical testing. Allele origin: germline. Inheritance: Autosomal recessive inheritance. Observed: 3 variant alleles, 3 heterozygotes.
Comment: This variant deletes 1 nucleotide in exon 14/16 of the MUTYH gene, creating a frameshift and premature translation stop signal. This variant is expected to result in an absent or non-functional protein product. This variant, described as c.1314delA (p.Val452X), has been reported in an individual affected with colorectal cancer carrying a second variant in trans (PMID: 17219385). This variant has also been reported in an individual affected with advanced cancer (PMID: 28873162) and exocrine pancreatic neoplasms (PMID: 29506128). This variant has not been identified in the general population by the Genome Aggregation Database (gnomAD). Loss of MUTYH function is a known mechanism of disease. Based on the available evidence, this variant is classified as Pathogenic.

This study involves interpretation of variants in research participants for the purpose of population health screening. Participant phenotype was not available at the time of variant classification. Additional details can be found in publication PMID: 35346344, PMCID: PMC8962531

Color Diagnostics, LLC DBA Color Health
Classification: Pathogenic for Hereditary cancer-predisposing syndrome. Last evaluated: 2024-03-14. Review status: criteria provided, single submitter. Criteria: ACMG Guidelines, 2015. Collection method: clinical testing. Allele origin: germline.
Comment: This variant deletes 1 nucleotide in exon 14/16 of the MUTYH gene, creating a frameshift and premature translation stop signal. This variant is expected to result in an absent or non-functional protein product. This variant, described as c.1314delA (p.Val452X), has been reported in an individual affected with colorectal cancer carrying a second variant in trans (PMID: 17219385). This variant has also been reported in an individual affected with advanced cancer (PMID: 28873162) and exocrine pancreatic neoplasms (PMID: 29506128). This variant has not been identified in the general population by the Genome Aggregation Database (gnomAD). Loss of MUTYH function is a known mechanism of disease. Based on the available evidence, this variant is classified as Pathogenic.

Baylor Genetics
Classification: Pathogenic for Familial adenomatous polyposis 2. Last evaluated: 2023-02-22. Review status: criteria provided, single submitter. Criteria: ACMG Guidelines, 2015. Collection method: clinical testing. Allele origin: unknown.

Institute for Clinical Genetics, University Hospital TU Dresden, University Hospital TU Dresden
Classification: Pathogenic. Last evaluated: 2021-11-03. Review status: criteria provided, single submitter. Criteria: ACMG Guidelines, 2015. Collection method: clinical testing. Allele origin: germline.

Quest Diagnostics Nichols Institute San Juan Capistrano
Classification: Pathogenic. Last evaluated: 2021-04-08. Review status: criteria provided, single submitter. Criteria: Quest Diagnostics criteria. Collection method: clinical testing. Allele origin: unknown.
Comment: This frameshift variant causes the premature termination of MUTYH protein synthesis. It has been reported along with another pathogenic MUTYH variant in an individual with familial colorectal cancer in the published literature (PMID: 17219385 (2007)). Therefore, the variant is classified as pathogenic.

Laboratory for Molecular Medicine, Mass General Brigham Personalized Medicine
Classification: Pathogenic for Familial adenomatous polyposis 2. Last evaluated: 2021-03-26. Review status: criteria provided, single submitter. Criteria: ACMG Guidelines, 2015. Collection method: clinical testing. Allele origin: germline. Inheritance: Autosomal recessive inheritance.
Comment: The p.Tyr453IlefsX14 variant in MUTYH has been reported in the compound heterozygous state in 1 individual with polyposis and colorectal cancer (Croitoru 2007 PMID: 17219385). It has also been identified in heterozygous state in individuals with endometrial and pancreatic cancers (Ring 2016 PMID: 27443514, Lowery 2018 PMID: 29506128). It was absent from large population studies and has been reported as Pathogenic by multiple laboratories in ClinVar (Variation ID 464690). This variant is predicted to cause a frameshift, which alters the protein’s amino acid sequence beginning at position 453 and leads to a premature termination codon 14 amino acids downstream. This alteration is then predicted to lead to a truncated or absent protein. Loss of function of the MUTYH gene is an established disease mechanism in autosomal recessive MUTYH-associated polyposis. In summary, this variant meets criteria to be classified as pathogenic for autosomal recessive MUTYH-associated polyposis. ACMG/AMP Criteria applied: PVS1, PM3_Supporting, PM2_Supporting.

Literature cited by the submitters: PubMed 18534194 (cited by Labcorp Genetics (formerly Invitae), Labcorp); PubMed 20663686 (cited by Labcorp Genetics (formerly Invitae), Labcorp); PubMed 17219385 (cited by 6 submitters); PubMed 28873162 (cited by 3 submitters); PubMed 29506128 (cited by 4 submitters); PubMed 27443514 (cited by Laboratory for Molecular Medicine, Mass General Brigham Personalized Medicine).

NM_001048174.2(MUTYH):c.1272del (p.Tyr425fs)

Gene: MUTYH (mutY DNA glycosylase; minus strand). Cytogenetic location: 1p34.1.
Variant type: Deletion.
Coding change: c.1272del on transcript NM_001048174.2 (MANE Select); coding-DNA position 1272, one base deleted (A; older notation c.1272delA).
Protein change: p.Tyr425fs; shifts the reading frame from tyrosine 425.
Molecular consequence: frameshift variant. On other transcripts: non-coding transcript variant (2).
Genome position (GRCh38, 1-based): chr1:45,331,302, T deleted on the plus strand (A on the coding strand, the reverse complement: MUTYH is on the minus strand). VCF-style (leftmost placement, unchanged base first): chr1-45331301-AT-A. GRCh37 (hg19) VCF-style: chr1-45796973-AT-A.
Other names: c.1356delA (NM_001128425.1); c.1272del, p.Tyr425fs (NM_001048171.2, NM_001048173.2, NM_001293195.2); c.1275del, p.Tyr426fs (NM_001048172.2); c.1356del, p.Tyr453fs (NM_001128425.2); c.1317del, p.Tyr440fs (NM_001293190.2); c.1305del, p.Tyr436fs (NM_001293191.2); c.996del, p.Tyr333fs (NM_001293192.2, NM_001293196.2); c.927del, p.Tyr310fs (NM_001350650.2, NM_001350651.2); and 1 more; short protein forms Y436fs, Y310fs, Y425fs, Y440fs, Y333fs, Y426fs, Y450fs.
Identifiers: ClinVar variation 464690 (VCV000464690.27), dbSNP rs1553125243, ClinGen allele CA658656915.